The following is an entry in ClinVar:

ClinVar aggregate classification (germline): Uncertain significance (1 of 4 stars; one submission).

Conditions:
Epileptic encephalopathy. Identifiers: MedGen C0543888, HP:0200134.

Submission:

Labcorp Genetics (formerly Invitae), Labcorp
Classification: Uncertain significance for Epileptic encephalopathy. Last evaluated: 2023-06-09. Review status: criteria provided, single submitter. Criteria: Invitae Variant Classification Sherloc (09022015). Collection method: clinical testing. Allele origin: germline.
Comment: In summary, the available evidence is currently insufficient to determine the role of this variant in disease. Therefore, it has been classified as a Variant of Uncertain Significance. Experimental studies and prediction algorithms are not available or were not evaluated, and the functional significance of this variant is currently unknown. This variant has not been reported in the literature in individuals affected with FASN-related conditions. This variant is not present in population databases (gnomAD no frequency). This sequence change creates a premature translational stop signal (p.Ser1701Argfs*45) in the FASN gene. It is expected to result in an absent or disrupted protein product. However, the current clinical and genetic evidence is not sufficient to establish whether loss-of-function variants in FASN cause disease.

NC_000017.11:g.82083892del

Gene: FASN (fatty acid synthase; minus strand). Cytogenetic location: 17q25.3.
Variant type: Deletion.
Genome position: GRCh38 VCF-style: chr17-82083889-AC-A. GRCh37 (hg19) VCF-style: chr17-80041765-AC-A.
Identifiers: ClinVar variation 2702430 (VCV002702430.3), dbSNP rs2509832315, ClinGen allele CA2697555258.